The following is an entry in ClinVar:

NM_003072.5(SMARCA4):c.113C>T (p.Ser38Phe)

Gene: SMARCA4 (SWI/SNF related BAF chromatin remodeling complex subunit ATPase 4; plus strand). Cytogenetic location: 19p13.2.
Variant type: single nucleotide variant.
Coding change: c.113C>T on transcript NM_003072.5 (MANE Select); coding-DNA position 113, C replaced by T.
Protein change: p.Ser38Phe; replaces serine 38 with phenylalanine.
Molecular consequence: missense variant. On other transcripts: non-coding transcript variant (1).
Genome position (GRCh38, 1-based): chr19:10,984,264, C>T. VCF-style: chr19-10984264-C-T. GRCh37 (hg19) VCF-style: chr19-11094940-C-T.
Other names: c.113C>T, p.Ser38Phe (NM_001128849.3, NM_001374457.1, NM_001387283.1 and 6 more transcripts); short protein forms S38F.
Identifiers: ClinVar variation 2452860 (VCV002452860.6), dbSNP rs2145723650, ClinGen allele CA404054272.

ClinVar aggregate classification (germline): Uncertain significance. Review status: criteria provided, multiple submitters, no conflicts (2 of 4 stars). 2 submissions from 2 submitters: Uncertain significance (2). Last evaluated 2025-03-31.

Conditions:
Hereditary cancer-predisposing syndrome. Also called: Neoplastic Syndromes, Hereditary; Tumor predisposition; Hereditary neoplastic syndrome; Hereditary Cancer Syndrome. Identifiers: Orphanet 140162, MedGen C0027672, MeSH D009386, MONDO:0015356.
Rhabdoid tumor predisposition syndrome 2 (RTPS2). Identifiers: Orphanet 231108, Orphanet 69077, MedGen C2750074, MONDO:0013224, OMIM 613325.

Submissions (2):

Ambry Genetics
Classification: Uncertain significance for Hereditary cancer-predisposing syndrome. Last evaluated: 2025-03-31. Review status: criteria provided, single submitter. Criteria: Ambry Variant Classification Scheme 2023. Collection method: clinical testing. Allele origin: germline.
Comment: The p.S38F variant (also known as c.113C>T), located in coding exon 1 of the SMARCA4 gene, results from a C to T substitution at nucleotide position 113. The serine at codon 38 is replaced by phenylalanine, an amino acid with highly dissimilar properties. This amino acid position is highly conserved in available vertebrate species. In addition, this alteration is predicted to be deleterious by in silico analysis. Based on the available evidence, the clinical significance of this variant remains unclear.

Labcorp Genetics (formerly Invitae), Labcorp
Classification: Uncertain significance for Rhabdoid tumor predisposition syndrome 2. Last evaluated: 2024-09-09. Review status: criteria provided, single submitter. Criteria: Invitae Variant Classification Sherloc (09022015). Collection method: clinical testing. Allele origin: germline.
Comment: This sequence change replaces serine, which is neutral and polar, with phenylalanine, which is neutral and non-polar, at codon 38 of the SMARCA4 protein (p.Ser38Phe). This variant is not present in population databases (gnomAD no frequency). This variant has not been reported in the literature in individuals affected with SMARCA4-related conditions. ClinVar contains an entry for this variant (Variation ID: 2452860). Invitae Evidence Modeling of protein sequence and biophysical properties (such as structural, functional, and spatial information, amino acid conservation, physicochemical variation, residue mobility, and thermodynamic stability) has been performed for this missense variant. However, the output from this modeling did not meet the statistical confidence thresholds required to predict the impact of this variant on SMARCA4 protein function. In summary, the available evidence is currently insufficient to determine the role of this variant in disease. Therefore, it has been classified as a Variant of Uncertain Significance.